The following is an entry in ClinVar:

ClinVar aggregate classification (germline): Uncertain significance (1 of 4 stars; one submission).

Submission:

GeneDx
Classification: Uncertain significance. Last evaluated: 2024-07-25. Review status: criteria provided, single submitter. Criteria: GeneDx Variant Classification Process June 2021. Collection method: clinical testing. Allele origin: germline. Affected: yes.
Comment: Not observed at significant frequency in large population cohorts (gnomAD); In silico analysis supports that this missense variant has a deleterious effect on protein structure/function; Has not been previously published as pathogenic or benign to our knowledge

NM_015557.3(CHD5):c.2270C>T (p.Pro757Leu)

Gene: CHD5 (chromodomain helicase DNA binding protein 5; minus strand). Cytogenetic location: 1p36.31.
Variant type: single nucleotide variant.
Coding change: c.2270C>T on transcript NM_015557.3 (MANE Select); coding-DNA position 2270, C replaced by T.
Protein change: p.Pro757Leu; replaces proline 757 with leucine.
Molecular consequence: missense variant.
Genome position (GRCh38, 1-based): chr1:6,142,294, G>A on the plus strand (C>T on the coding strand, the complement: CHD5 is on the minus strand). VCF-style: chr1-6142294-G-A. GRCh37 (hg19) VCF-style: chr1-6202354-G-A.
Other names: short protein forms P757L.
Identifiers: ClinVar variation 3600979 (VCV003600979.1).